The following is an entry in ClinVar:

ClinVar aggregate classification (germline): Likely pathogenic (1 of 4 stars; one submission).

Conditions:
Cutis laxa, autosomal recessive, type 1B (ARCL1B). Also called: EFEMP2-Related Cutis Laxa; CUTIS LAXA, AUTOSOMAL RECESSIVE, TYPE IB. Identifiers: Orphanet 90349, MedGen C3280798, MONDO:0013754, OMIM 614437. Disease mechanism: loss of function.

Allele frequency attached by ClinVar (database versions not stated): gnomAD exomes below 0.00001.
gnomAD v4.1: 1 of 1,613,800 alleles (0.000062%); highest among the groups gnomAD compares: Non-Finnish European, 0.000085%; no homozygotes.

Submission:

Labcorp Genetics (formerly Invitae), Labcorp
Classification: Likely pathogenic for Cutis laxa, autosomal recessive, type 1B. Last evaluated: 2018-04-08. Review status: criteria provided, single submitter. Criteria: Invitae Variant Classification Sherloc (09022015). Collection method: clinical testing. Allele origin: germline.
Comment: In summary, the currently available evidence indicates that the variant is pathogenic, but additional data are needed to prove that conclusively. Therefore, this variant has been classified as Likely Pathogenic. Donor and acceptor splice site variants typically lead to a loss of protein function (PMID: 16199547), and loss-of-function variants in EFEMP2 are known to be pathogenic (PMID: 17937443). This variant has not been reported in the literature in individuals with EFEMP2-related disease. This variant is not present in population databases (ExAC no frequency). This sequence change affects an acceptor splice site in intron 6 of the EFEMP2 gene. It is expected to disrupt RNA splicing and likely results in an absent or disrupted protein product.

Literature cited by the submitters: PubMed 16199547; PubMed 17937443.

NM_016938.5(EFEMP2):c.608-1G>C

Gene: EFEMP2 (EGF-like fibulin extracellular matrix protein 2; minus strand). Cytogenetic location: 11q13.1.
Variant type: single nucleotide variant.
Coding change: c.608-1G>C on transcript NM_016938.5 (MANE Select); the canonical splice acceptor site of the intron before coding-DNA position 608, G replaced by C.
Molecular consequence: splice acceptor variant.
Genome position (GRCh38, 1-based): chr11:65,869,977, C>G on the plus strand (G>C on the coding strand, the complement: EFEMP2 is on the minus strand). VCF-style: chr11-65869977-C-G. GRCh37 (hg19) VCF-style: chr11-65637448-C-G.
Identifiers: ClinVar variation 575876 (VCV000575876.9), dbSNP rs888015688, ClinGen allele CA224017225.
Genomic context (GRCh38, chr11:65,869,977, plus strand): 5'-TCCCATAGGAGTTGAAGCAGCGCTGCTCGCATGGGGCCCCCATGTCACACTCGTTCACAT[C>G]TGGGGGTGCCAGGAAAAACAGGAGGGATGAAAGCGGAGGAGGAGCCCAGAGCCTCCACTC-3'